The following is an entry in ClinVar:

NM_032242.4(PLXNA1):c.2500G>A (p.Glu834Lys)

Gene: PLXNA1 (plexin A1; plus strand). Cytogenetic location: 3q21.3.
Variant type: single nucleotide variant.
Coding change: c.2500G>A on transcript NM_032242.4 (MANE Select); coding-DNA position 2500, G replaced by A.
Protein change: p.Glu834Lys; replaces glutamic acid 834 with lysine.
Molecular consequence: missense variant.
Genome position (GRCh38, 1-based): chr3:127,014,271, G>A. VCF-style: chr3-127014271-G-A. GRCh37 (hg19) VCF-style: chr3-126733114-G-A.
Other names: short protein forms E834K.
Identifiers: ClinVar variation 4140090 (VCV004140090.2).

ClinVar aggregate classification (germline): Uncertain significance. Review status: criteria provided, multiple submitters, no conflicts (2 of 4 stars). 2 submissions from 2 submitters: Uncertain significance (2). Last evaluated 2025-09-04.

Conditions:
PLXNA1-related disorder. Also called: PLXNA1-related condition.

gnomAD v4.1: 10 of 1,595,630 alleles (0.00063%); highest among the groups gnomAD compares: Middle Eastern, 0.017%; no homozygotes.

Submissions (2):

Ambry Genetics
Classification: Uncertain significance. Last evaluated: 2025-09-04. Review status: criteria provided, single submitter. Criteria: Ambry Variant Classification Scheme 2023. Collection method: clinical testing. Allele origin: germline.

PreventionGenetics, part of Exact Sciences
Classification: Uncertain significance for PLXNA1-related condition. Last evaluated: 2025-07-23. Review status: criteria provided, single submitter. Criteria: ACMG Guidelines, 2015. Collection method: clinical testing. Allele origin: germline.
Comment: The PLXNA1 c.2500G>A variant is predicted to result in the amino acid substitution p.Glu834Lys. To our knowledge, this variant has not been reported in the literature. This variant is reported in 0.0083% of alleles in individuals of African descent in gnomAD. At this time, the clinical significance of this variant is uncertain due to the absence of conclusive functional and genetic evidence.